The following is an entry in ClinVar:

NM_000260.4(MYO7A):c.2020A>C (p.Ile674Leu)

Gene: MYO7A (myosin VIIA; plus strand). Cytogenetic location: 11q13.5.
Variant type: single nucleotide variant.
Coding change: c.2020A>C on transcript NM_000260.4 (MANE Select); coding-DNA position 2020, A replaced by C.
Protein change: p.Ile674Leu; replaces isoleucine 674 with leucine.
Molecular consequence: missense variant.
Genome position (GRCh38, 1-based): chr11:77,174,840, A>C. VCF-style: chr11-77174840-A-C. GRCh37 (hg19) VCF-style: chr11-76885886-A-C.
Other names: c.2020A>C, p.Ile674Leu (NM_001127180.2); c.1987A>C, p.Ile663Leu (NM_001369365.1); short protein forms I663L, I674L.
Identifiers: ClinVar variation 1714422 (VCV001714422.5), dbSNP rs781793435, ClinGen allele CA381939337.
Genomic context (GRCh38, chr11:77,174,840, plus strand): 5'-CGCCAGCTGCGGTACTCAGGAATGATGGAGACCATCCGAATCCGCCGAGCTGGCTACCCC[A>C]TCCGCTACAGCTTCGTAGAGTTTGTGGAGCGGTACCGTGTGCTGCTGCCAGGTGTGAAGC-3'
Protein context (NP_000251.3, residues 664-684): TIRIRRAGYP[Ile674Leu]RYSFVEFVER

ClinVar aggregate classification (germline): Uncertain significance (1 of 4 stars; one submission).

Submission:

Labcorp Genetics (formerly Invitae), Labcorp
Classification: Uncertain significance. Last evaluated: 2022-07-30. Review status: criteria provided, single submitter. Criteria: Invitae Variant Classification Sherloc (09022015). Collection method: clinical testing. Allele origin: germline.
Comment: In summary, the available evidence is currently insufficient to determine the role of this variant in disease. Therefore, it has been classified as a Variant of Uncertain Significance. Advanced modeling of protein sequence and biophysical properties (such as structural, functional, and spatial information, amino acid conservation, physicochemical variation, residue mobility, and thermodynamic stability) performed at Invitae indicates that this missense variant is not expected to disrupt MYO7A protein function. This variant has not been reported in the literature in individuals affected with MYO7A-related conditions. This variant is not present in population databases (gnomAD no frequency). This sequence change replaces isoleucine, which is neutral and non-polar, with leucine, which is neutral and non-polar, at codon 674 of the MYO7A protein (p.Ile674Leu).